The following is an entry in ClinVar:

ClinVar aggregate classification (germline): Benign (1 of 4 stars; one submission).

Submission:

ISCA site 4
Classification: Benign. Last evaluated: 2011-08-12. Review status: criteria provided, single submitter. Criteria: Kaminsky et al. (Genet Med. 2011). Collection method: clinical testing. Allele origin: unknown. Affected: yes. Observed: 4 variant alleles. Clinical features observed: Abnormality of the nervous system (HP:0000707), Conductive hearing impairment (HP:0000405), Developmental delay AND/OR other significant developmental or morphological phenotypes, Abnormality of head and neck (HP:0000152), Abnormal facial shape (HP:0002260).
Comment: Copy number variation identified through the course of routine clinical cytogenomic testing in postnatal populations. Clinical assertions have been curated as described in Kaminsky et al. 2011.

GRCh38/hg38 16p11.2-11.1(chr16:35247671-35492978)x3

Gene: LINC01566 (long intergenic non-protein coding RNA 1566; plus strand). Cytogenetic location: 16p11.2-11.1.
Variant type: copy number gain.
Change: copy number 3 (three copies instead of two) of chr16:35,247,671-35,492,978 (245.3 kb, GRCh38 coordinates, 1-based), cytogenetic band 16p11.2-11.1.
Identifiers: ClinVar variation 161009 (VCV000161009.1).